The following is an entry in ClinVar:

NM_001009944.3(PKD1):c.8791+5G>A

Gene: PKD1 (polycystin 1, transient receptor potential channel interacting; minus strand). Cytogenetic location: 16p13.3.
Variant type: single nucleotide variant.
Coding change: c.8791+5G>A on transcript NM_001009944.3 (MANE Select); 5 bases into the intron after coding-DNA position 8791, G replaced by A.
Molecular consequence: intron variant.
Genome position (GRCh38, 1-based): chr16:2,103,261, C>T on the plus strand (G>A on the coding strand, the complement: PKD1 is on the minus strand). VCF-style: chr16-2103261-C-T. GRCh37 (hg19) VCF-style: chr16-2153262-C-T.
Other names: c.8791+5G>A (NM_000296.4).
Identifiers: ClinVar variation 446428 (VCV000446428.3), dbSNP rs751652400, ClinGen allele CA7830384.

ClinVar aggregate classification (germline): Uncertain significance. Review status: criteria provided, multiple submitters, no conflicts (2 of 4 stars). 3 submissions from 3 submitters: Uncertain significance (3). Last evaluated 2024-10-18.

Conditions:
Polycystic kidney disease, adult type (PKD1). Also called: POLYCYSTIC KIDNEY DISEASE 1 WITH OR WITHOUT POLYCYSTIC LIVER DISEASE; Polycystic Kidney, Autosomal Dominant; POLYCYSTIC KIDNEY DISEASE, ADULT, TYPE I; Polycystic Kidney Disease 1, Autosomal Dominant; Polycystic kidney disease 1; Polycystic kidney disease 1, severe. Identifiers: MedGen C3149841, MONDO:0008263, OMIM 173900.

Allele frequency attached by ClinVar (database versions not stated): gnomAD exomes 0.00001; ExAC 0.00002; TOPMed 0.00002.
gnomAD v4.1: 12 of 1,609,422 alleles (0.00075%); highest among the groups gnomAD compares: Non-Finnish European, 0.00093%; no homozygotes.

Submissions (3):

GeneDx
Classification: Uncertain significance. Last evaluated: 2024-10-18. Review status: criteria provided, single submitter. Criteria: GeneDx Variant Classification Process June 2021. Collection method: clinical testing. Allele origin: germline. Affected: yes.
Comment: Intronic +5 splice site variant in a gene for which loss of function is a known mechanism of disease, and both splice predictors and evolutionary conservation support a deleterious effect, although in the absence of functional evidence the actual effect of this sequence change is unknown.; Has not been previously published as pathogenic or benign to our knowledge

Fulgent Genetics
Classification: Uncertain significance for Polycystic kidney disease, adult type. Last evaluated: 2022-01-19. Review status: criteria provided, single submitter. Criteria: ACMG Guidelines, 2015. Collection method: clinical testing. Allele origin: unknown.

MVZ Martinsried, Medicover Genetics
Classification: Uncertain significance for Polycystic kidney disease, adult type. Last evaluated: 2017-09-08. Review status: criteria provided, single submitter. Criteria: ACMG Guidelines, 2015. Collection method: clinical testing. Allele origin: unknown. Affected: yes.